The following is an entry in ClinVar:

NM_020937.4(FANCM):c.509-16T>C

Gene: FANCM (FA complementation group M; plus strand). Cytogenetic location: 14q21.2.
Variant type: single nucleotide variant.
Coding change: c.509-16T>C on transcript NM_020937.4 (MANE Select); 16 bases into the intron before coding-DNA position 509, T replaced by C.
Molecular consequence: intron variant.
Genome position (GRCh38, 1-based): chr14:45,137,053, T>C. VCF-style: chr14-45137053-T-C. GRCh37 (hg19) VCF-style: chr14-45606256-T-C.
Other names: c.509-16T>C (NM_001308133.2, NM_001308134.2).
Identifiers: ClinVar variation 2791789 (VCV002791789.3), dbSNP rs2503039696, ClinGen allele CA2739278610.
Genomic context (GRCh38, chr14:45,137,053, plus strand): 5'-TGAAAAAGCCAGACTATTTATATTTTATAGATAACAGTCTGAAGTTTAGAATGTAGAATG[T>C]CACTTTTATTTTCAGGGTCTACACAAGCTTCCACCAGGAAGGAAATATGGTGCAGTAAGA-3'

ClinVar aggregate classification (germline): Uncertain significance (1 of 4 stars; one submission).

Conditions:
Fanconi anemia (FA). Also called: Fanconi's anemia. Identifiers: Orphanet 84, MedGen C0015625, MeSH D005199, MONDO:0019391.

Submission:

Labcorp Genetics (formerly Invitae), Labcorp
Classification: Uncertain significance for Fanconi anemia. Last evaluated: 2024-01-28. Review status: criteria provided, single submitter. Criteria: Invitae Variant Classification Sherloc (09022015). Collection method: clinical testing. Allele origin: germline.
Comment: This sequence change falls in intron 1 of the FANCM gene. It does not directly change the encoded amino acid sequence of the FANCM protein. This variant is not present in population databases (gnomAD no frequency). This variant has not been reported in the literature in individuals affected with FANCM-related conditions. Algorithms developed to predict the effect of sequence changes on RNA splicing suggest that this variant may disrupt the consensus splice site. In summary, the available evidence is currently insufficient to determine the role of this variant in disease. Therefore, it has been classified as a Variant of Uncertain Significance.